The following is an entry in ClinVar:

NM_001330260.2(SCN8A):c.3111G>T (p.Leu1037Phe)

Gene: SCN8A (sodium voltage-gated channel alpha subunit 8; plus strand). Cytogenetic location: 12q13.13.
Variant type: single nucleotide variant.
Coding change: c.3111G>T on transcript NM_001330260.2 (MANE Select); coding-DNA position 3111, G replaced by T.
Protein change: p.Leu1037Phe; replaces leucine 1037 with phenylalanine.
Molecular consequence: missense variant.
Genome position (GRCh38, 1-based): chr12:51,769,074, G>T. VCF-style: chr12-51769074-G-T. GRCh37 (hg19) VCF-style: chr12-52162858-G-T.
Other names: c.3111G>T, p.Leu1037Phe (NM_001177984.3, NM_001369788.1, NM_014191.4); c.3111G>T (NM_001330260.1, NM_014191.3); short protein forms L1037F.
Identifiers: ClinVar variation 2775708 (VCV002775708.5), dbSNP rs2540266334, ClinGen allele CA384892494.

ClinVar aggregate classification (germline): Uncertain significance. Review status: criteria provided, multiple submitters, no conflicts (2 of 4 stars). 2 submissions from 2 submitters: Uncertain significance (2). Last evaluated 2026-09-15.

Conditions:
Early-infantile DEE. Also called: Ohtahara syndrome; Early infantile epileptic encephalopathy with suppression bursts; Early infantile epileptic encephalopathy. Identifiers: Orphanet 1934, MedGen C0393706, MONDO:0800491.

gnomAD v4.1: 1 of 1,613,952 alleles (0.000062%); no homozygotes.

Submissions (2):

GeneDx
Classification: Uncertain significance. Last evaluated: 2026-09-15. Review status: criteria provided, single submitter. Criteria: GeneDx Variant Classification Process June 2021. Collection method: clinical testing. Allele origin: germline.
Comment: Not observed at significant frequency in large population cohorts (gnomAD); In silico analysis supports that this missense variant has a deleterious effect on protein structure/function; This substitution is predicted to be within the cytoplasmic loop between the second and third homologous domains; Has not been previously published as pathogenic or benign to our knowledge

Labcorp Genetics (formerly Invitae), Labcorp
Classification: Uncertain significance for Early-infantile DEE. Last evaluated: 2025-03-11. Review status: criteria provided, single submitter. Criteria: Invitae Variant Classification Sherloc (09022015). Collection method: clinical testing. Allele origin: germline.
Comment: This sequence change replaces leucine, which is neutral and non-polar, with phenylalanine, which is neutral and non-polar, at codon 1037 of the SCN8A protein (p.Leu1037Phe). This variant is not present in population databases (gnomAD no frequency). This variant has not been reported in the literature in individuals affected with SCN8A-related conditions. ClinVar contains an entry for this variant (Variation ID: 2775708). Invitae Evidence Modeling of protein sequence and biophysical properties (such as structural, functional, and spatial information, amino acid conservation, physicochemical variation, residue mobility, and thermodynamic stability) indicates that this missense variant is not expected to disrupt SCN8A protein function with a negative predictive value of 95%. In summary, the available evidence is currently insufficient to determine the role of this variant in disease. Therefore, it has been classified as a Variant of Uncertain Significance.